The following is an entry in ClinVar:

NM_152564.5(VPS13B):c.5024C>T (p.Ala1675Val)

Gene: VPS13B (vacuolar protein sorting 13 homolog B; plus strand). Cytogenetic location: 8q22.2.
Variant type: single nucleotide variant.
Coding change: c.5024C>T on transcript NM_152564.5 (MANE Select); coding-DNA position 5024, C replaced by T.
Protein change: p.Ala1675Val; replaces alanine 1675 with valine.
Molecular consequence: missense variant.
Genome position (GRCh38, 1-based): chr8:99,575,732, C>T. VCF-style: chr8-99575732-C-T. GRCh37 (hg19) VCF-style: chr8-100587960-C-T.
Other names: c.5099C>T, p.Ala1700Val (NM_017890.5); short protein forms A1675V, A1700V.
Identifiers: ClinVar variation 2428172 (VCV002428172.8), dbSNP rs1437272831, ClinGen allele CA371873764.

ClinVar aggregate classification (germline): Uncertain significance. Review status: criteria provided, multiple submitters, no conflicts (2 of 4 stars). 2 submissions from 2 submitters: Uncertain significance (2). Last evaluated 2024-01-22.

Conditions:
Cohen syndrome (COH1). Also called: PEPPER SYNDROME; Cutis verticis gyrata, retinitis pigmentosa, and sensorineural deafness. Identifiers: Orphanet 193, MedGen C0265223, MONDO:0008999, OMIM 216550.

Allele frequency attached by ClinVar (database versions not stated): TOPMed below 0.00001.
gnomAD v4.1: 2 of 1,613,792 alleles (0.00012%); highest among the groups gnomAD compares: East Asian, 0.0045%; no homozygotes.

Submissions (2):

Labcorp Genetics (formerly Invitae), Labcorp
Classification: Uncertain significance for Cohen syndrome. Last evaluated: 2024-01-22. Review status: criteria provided, single submitter. Criteria: Invitae Variant Classification Sherloc (09022015). Collection method: clinical testing. Allele origin: germline.
Comment: This sequence change replaces alanine, which is neutral and non-polar, with valine, which is neutral and non-polar, at codon 1700 of the VPS13B protein (p.Ala1700Val). This variant is present in population databases (no rsID available, gnomAD 0.006%). This variant has not been reported in the literature in individuals affected with VPS13B-related conditions. ClinVar contains an entry for this variant (Variation ID: 2428172). Advanced modeling of protein sequence and biophysical properties (such as structural, functional, and spatial information, amino acid conservation, physicochemical variation, residue mobility, and thermodynamic stability) performed at Invitae indicates that this missense variant is expected to disrupt VPS13B protein function with a positive predictive value of 80%. In summary, the available evidence is currently insufficient to determine the role of this variant in disease. Therefore, it has been classified as a Variant of Uncertain Significance.

Juno Genomics, Hangzhou Juno Genomics, Inc
Classification: Uncertain significance for Cohen syndrome. Review status: criteria provided, single submitter. Criteria: ACMG Guidelines, 2015. Collection method: clinical testing. Allele origin: germline.
Comment: Absent from controls (or at extremely low frequency if recessive) in Genome Aggregation Database.;Multiple lines of computational evidence support a deleterious effect on the gene or gene product.